The following is an entry in ClinVar:

ClinVar aggregate classification (germline): Likely benign (1 of 4 stars; one submission).

gnomAD v4.1: 529 of 1,551,554 alleles (0.034%); highest among the groups gnomAD compares: Middle Eastern, 0.27%; 1 homozygote.

Submission:

CeGaT Center for Human Genetics Tuebingen
Classification: Likely benign. Last evaluated: 2025-10-01. Review status: criteria provided, single submitter. Criteria: CeGaT Center For Human Genetics Tuebingen Variant Classification Criteria Version 2. Collection method: clinical testing. Allele origin: germline. Affected: yes. Observed: 1 variant allele.
Comment: COL6A5: BP4

NM_001278298.2(COL6A5):c.5423C>T (p.Ser1808Leu)

Gene: COL6A5 (collagen type VI alpha 5 chain; plus strand). Cytogenetic location: 3q22.1.
Variant type: single nucleotide variant.
Coding change: c.5423C>T on transcript NM_001278298.2 (MANE Select); coding-DNA position 5423, C replaced by T.
Protein change: p.Ser1808Leu; replaces serine 1808 with leucine.
Molecular consequence: missense variant. On other transcripts: non-coding transcript variant (1).
Genome position (GRCh38, 1-based): chr3:130,431,639, C>T. VCF-style: chr3-130431639-C-T. GRCh37 (hg19) VCF-style: chr3-130150483-C-T.
Other names: c.5423C>T, p.Ser1808Leu (NM_153264.7); short protein forms S1808L.
Identifiers: ClinVar variation 4533540 (VCV004533540.6).